The following is an entry in ClinVar:

ClinVar aggregate classification (germline): Uncertain significance (1 of 4 stars; one submission).

Conditions:
KRT17-related disorder. Also called: KRT17-related condition.

Submission:

PreventionGenetics, part of Exact Sciences
Classification: Uncertain significance for KRT17-related condition. Last evaluated: 2026-09-02. Review status: criteria provided, single submitter. Criteria: ACMG Guidelines, 2015. Collection method: clinical testing. Allele origin: germline.
Comment: The KRT17 c.673G>A variant is predicted to result in the amino acid substitution p.Glu225Lys. To our knowledge, this variant has not been reported in the literature or in a large population database (gnomAD), indicating this variant is rare. At this time, the clinical significance of this variant is uncertain due to the absence of conclusive functional and genetic evidence.

NM_000422.3(KRT17):c.673G>A (p.Glu225Lys)

Gene: KRT17 (keratin 17; minus strand). Cytogenetic location: 17q21.2.
Variant type: single nucleotide variant.
Coding change: c.673G>A on transcript NM_000422.3 (MANE Select); coding-DNA position 673, G replaced by A.
Protein change: p.Glu225Lys; replaces glutamic acid 225 with lysine.
Molecular consequence: missense variant.
Genome position (GRCh38, 1-based): chr17:41,621,754, C>T on the plus strand (G>A on the coding strand, the complement: KRT17 is on the minus strand). VCF-style: chr17-41621754-C-T. GRCh37 (hg19) VCF-style: chr17-39778006-C-T.
Other names: short protein forms E225K.
Identifiers: ClinVar variation 4986095 (VCV004986095.1).
Genomic context (GRCh38, chr17:41,621,754, plus strand): 5'-GGGCAGCGTCCATCTCCACATTGATCTCACCACCCACCTGGCCTCGCAGGGCGTTCATCT[C>T]CTATGGAAAAAGGGGATGTGGATGTGCGCATCTGGACCCATCCTGACCTCTCACTCCCAA-3'
Protein context (NP_000413.1, residues 215-235): LAYLKKNHEE[Glu225Lys]MNALRGQVGG